The following is an entry in ClinVar:

ClinVar aggregate classification (germline): Uncertain significance (1 of 4 stars; one submission).

Conditions:
Cardiovascular phenotype. Identifiers: MedGen CN230736.

gnomAD v4.1: 8 of 1,612,652 alleles (0.0005%); highest among the groups gnomAD compares: Non-Finnish European, 0.00068%; no homozygotes.

Submission:

Ambry Genetics
Classification: Uncertain significance for Cardiovascular phenotype. Last evaluated: 2024-11-17. Review status: criteria provided, single submitter. Criteria: Ambry Variant Classification Scheme 2023. Collection method: clinical testing. Allele origin: germline.
Comment: The p.H491R variant (also known as c.1472A>G), located in coding exon 8 of the SNTA1 gene, results from an A to G substitution at nucleotide position 1472. The histidine at codon 491 is replaced by arginine, an amino acid with highly similar properties. This amino acid position is conserved. In addition, this alteration is predicted to be deleterious by in silico analysis. Based on the available evidence, the clinical significance of this variant remains unclear.

NM_003098.3(SNTA1):c.1472A>G (p.His491Arg)

Gene: SNTA1 (syntrophin alpha 1; minus strand). Cytogenetic location: 20q11.21.
Variant type: single nucleotide variant.
Coding change: c.1472A>G on transcript NM_003098.3 (MANE Select); coding-DNA position 1472, A replaced by G.
Protein change: p.His491Arg; replaces histidine 491 with arginine.
Molecular consequence: missense variant. On other transcripts: 3 prime UTR variant (1).
Genome position (GRCh38, 1-based): chr20:33,408,553, T>C on the plus strand (A>G on the coding strand, the complement: SNTA1 is on the minus strand). VCF-style: chr20-33408553-T-C. GRCh37 (hg19) VCF-style: chr20-31996359-T-C.
Other names: c.1469A>G, p.His490Arg (NM_001424413.1); c.*13A>G (NM_001424414.1); short protein forms H490R, H491R.
Identifiers: ClinVar variation 3446836 (VCV003446836.1).